The following is an entry in ClinVar:

ClinVar aggregate classification (germline): Uncertain significance (1 of 4 stars; one submission).

Conditions:
Gorlin syndrome. Also called: Basal cell nevus syndrome; Nevoid Basal Cell Carcinoma Syndrome. Identifiers: Orphanet 377, MedGen C0004779, MONDO:0007187.

Allele frequency attached by ClinVar (database versions not stated): TOPMed 0.00001.
gnomAD v4.1: 69 of 1,611,302 alleles (0.0043%); highest among the groups gnomAD compares: East Asian, 0.15%; 1 homozygote.

Submission:

Labcorp Genetics (formerly Invitae), Labcorp
Classification: Uncertain significance for Gorlin syndrome. Last evaluated: 2024-10-02. Review status: criteria provided, single submitter. Criteria: Invitae Variant Classification Sherloc (09022015). Collection method: clinical testing. Allele origin: germline.
Comment: This sequence change replaces arginine, which is basic and polar, with leucine, which is neutral and non-polar, at codon 175 of the PTCH2 protein (p.Arg175Leu). This variant is present in population databases (rs745322399, gnomAD 0.03%). This missense change has been observed in individual(s) with Gorlin syndrome (PMID: 23951062, 28915250). ClinVar contains an entry for this variant (Variation ID: 1435187). An algorithm developed to predict the effect of missense changes on protein structure and function (PolyPhen-2) suggests that this variant is likely to be tolerated. In summary, the available evidence is currently insufficient to determine the role of this variant in disease. Therefore, it has been classified as a Variant of Uncertain Significance.

Literature cited by the submitters: PubMed 23951062; PubMed 28915250.

NM_003738.5(PTCH2):c.524G>T (p.Arg175Leu)

Gene: PTCH2 (patched 2; minus strand). Cytogenetic location: 1p34.1.
Variant type: single nucleotide variant.
Coding change: c.524G>T on transcript NM_003738.5 (MANE Select); coding-DNA position 524, G replaced by T.
Protein change: p.Arg175Leu; replaces arginine 175 with leucine.
Molecular consequence: missense variant.
Genome position (GRCh38, 1-based): chr1:44,831,976, C>A on the plus strand (G>T on the coding strand, the complement: PTCH2 is on the minus strand). VCF-style: chr1-44831976-C-A. GRCh37 (hg19) VCF-style: chr1-45297648-C-A.
Other names: c.524G>T, p.Arg175Leu (NM_001166292.2); short protein forms R175L.
Identifiers: ClinVar variation 1435187 (VCV001435187.6), dbSNP rs745322399, ClinGen allele CA823603.